The following is an entry in ClinVar:

NM_024675.4(PALB2):c.1302T>G (p.Asp434Glu)

Gene: PALB2 (partner and localizer of BRCA2; minus strand). Cytogenetic location: 16p12.2.
Variant type: single nucleotide variant.
Coding change: c.1302T>G on transcript NM_024675.4 (MANE Select); coding-DNA position 1302, T replaced by G.
Protein change: p.Asp434Glu; replaces aspartic acid 434 with glutamic acid.
Molecular consequence: missense variant. On other transcripts: intron variant (3).
Genome position (GRCh38, 1-based): chr16:23,635,244, A>C on the plus strand (T>G on the coding strand, the complement: PALB2 is on the minus strand). VCF-style: chr16-23635244-A-C. GRCh37 (hg19) VCF-style: chr16-23646565-A-C.
Other names: c.1242T>G, p.Asp414Glu (NM_001407296.1); c.1302T>G, p.Asp434Glu (NM_001407297.1, NM_001407298.1, NM_001407299.1 and 3 more transcripts); c.417T>G, p.Asp139Glu (NM_001407304.1, NM_001407305.1, NM_001407306.1 and 5 more transcripts); c.48+5866T>G (NM_001407314.1); c.-104-4775T>G (NM_001407313.1, NM_001407312.1); short protein forms D434E, D414E, D139E.
Identifiers: ClinVar variation 2816076 (VCV002816076.4), dbSNP rs2142419939, ClinGen allele CA395132444.

ClinVar aggregate classification (germline): Uncertain significance. Review status: criteria provided, multiple submitters, no conflicts (2 of 4 stars). 2 submissions from 2 submitters: Uncertain significance (2). Last evaluated 2026-02-15.

Conditions:
Familial cancer of breast. Also called: BREAST CANCER, FAMILIAL; Hereditary breast cancer; hereditary breast carcinoma. Identifiers: Orphanet 227535, MedGen C0346153, MONDO:0016419, OMIM 114480. Disease mechanism: loss of function.
Hereditary cancer-predisposing syndrome. Also called: Tumor predisposition; Neoplastic Syndromes, Hereditary; Hereditary Cancer Syndrome; Hereditary neoplastic syndrome. Identifiers: Orphanet 140162, MedGen C0027672, MeSH D009386, MONDO:0015356.

Submissions (2):

Ambry Genetics
Classification: Uncertain significance for Hereditary cancer-predisposing syndrome. Last evaluated: 2026-02-15. Review status: criteria provided, single submitter. Criteria: Ambry Variant Classification Scheme 2023. Collection method: clinical testing. Allele origin: germline.
Comment: The p.D434E variant (also known as c.1302T>G), located in coding exon 4 of the PALB2 gene, results from a T to G substitution at nucleotide position 1302. The aspartic acid at codon 434 is replaced by glutamic acid, an amino acid with highly similar properties. This amino acid position is conserved. In addition, this alteration is predicted to be tolerated by in silico analysis. Based on the available evidence, the clinical significance of this variant remains unclear.

Labcorp Genetics (formerly Invitae), Labcorp
Classification: Uncertain significance for Familial cancer of breast. Last evaluated: 2022-11-23. Review status: criteria provided, single submitter. Criteria: Invitae Variant Classification Sherloc (09022015). Collection method: clinical testing. Allele origin: germline.
Comment: Advanced modeling of protein sequence and biophysical properties (such as structural, functional, and spatial information, amino acid conservation, physicochemical variation, residue mobility, and thermodynamic stability) performed at Invitae indicates that this missense variant is not expected to disrupt PALB2 protein function. This sequence change replaces aspartic acid, which is acidic and polar, with glutamic acid, which is acidic and polar, at codon 434 of the PALB2 protein (p.Asp434Glu). This variant is not present in population databases (gnomAD no frequency). This variant has not been reported in the literature in individuals affected with PALB2-related conditions. In summary, the available evidence is currently insufficient to determine the role of this variant in disease. Therefore, it has been classified as a Variant of Uncertain Significance.